The following is an entry in ClinVar:

ClinVar aggregate classification (germline): Uncertain significance. Review status: criteria provided, multiple submitters, no conflicts (2 of 4 stars). 2 submissions from 2 submitters: Uncertain significance (2). Last evaluated 2025-11-12.

gnomAD v4.1: 28 of 1,613,978 alleles (0.0017%); highest among the groups gnomAD compares: African/African-American, 0.008%; no homozygotes.

Submissions (2):

Ambry Genetics
Classification: Uncertain significance. Last evaluated: 2025-11-12. Review status: criteria provided, single submitter. Criteria: Ambry Variant Classification Scheme 2023. Collection method: clinical testing. Allele origin: germline.

Labcorp Genetics (formerly Invitae), Labcorp
Classification: Uncertain significance. Last evaluated: 2024-06-21. Review status: criteria provided, single submitter. Criteria: Invitae Variant Classification Sherloc (09022015). Collection method: clinical testing. Allele origin: germline.
Comment: This sequence change replaces arginine, which is basic and polar, with histidine, which is basic and polar, at codon 133 of the MRPL12 protein (p.Arg133His). This variant is present in population databases (rs143872119, gnomAD 0.01%). This variant has not been reported in the literature in individuals affected with MRPL12-related conditions. An algorithm developed to predict the effect of missense changes on protein structure and function (PolyPhen-2) suggests that this variant is likely to be disruptive. In summary, the available evidence is currently insufficient to determine the role of this variant in disease. Therefore, it has been classified as a Variant of Uncertain Significance.

NM_002949.4(MRPL12):c.398G>A (p.Arg133His)

Gene: MRPL12 (mitochondrial ribosomal protein L12; plus strand). Cytogenetic location: 17q25.3.
Variant type: single nucleotide variant.
Coding change: c.398G>A on transcript NM_002949.4 (MANE Select); coding-DNA position 398, G replaced by A.
Protein change: p.Arg133His; replaces arginine 133 with histidine.
Molecular consequence: missense variant.
Genome position (GRCh38, 1-based): chr17:81,706,958, G>A. VCF-style: chr17-81706958-G-A. GRCh37 (hg19) VCF-style: chr17-79673988-G-A.
Other names: c.398G>A (NM_002949.3); short protein forms R133H.
Identifiers: ClinVar variation 3714347 (VCV003714347.3).